The following is an entry in ClinVar:

NM_001332.4(CTNND2):c.2188del (p.Arg730fs)

Gene: CTNND2 (catenin delta 2; minus strand). Cytogenetic location: 5p15.2.
Variant type: Deletion.
Coding change: c.2188del on transcript NM_001332.4 (MANE Select); coding-DNA position 2188, one base deleted (C; older notation c.2188delC).
Protein change: p.Arg730fs; shifts the reading frame from arginine 730.
Molecular consequence: frameshift variant. On other transcripts: non-coding transcript variant (1).
Genome position (GRCh38, 1-based): chr5:11,117,539, G deleted on the plus strand (C on the coding strand, the reverse complement: CTNND2 is on the minus strand); the first of 3 consecutive G bases (chr5:11,117,539-11,117,541); deleting any one gives the same sequence. VCF-style (leftmost placement, unchanged base first): chr5-11117538-CG-C. GRCh37 (hg19) VCF-style: chr5-11117650-CG-C.
Other names: c.1915del, p.Arg639fs (NM_001288715.1); c.1177del, p.Arg393fs (NM_001288716.1, NM_001364128.2); c.889del, p.Arg297fs (NM_001288717.2); short protein forms R297fs, R393fs, R639fs, R730fs.
Identifiers: ClinVar variation 2572244 (VCV002572244.1), dbSNP rs2546628696, ClinGen allele CA2580613511.

ClinVar aggregate classification (germline): Uncertain significance (1 of 4 stars; one submission).

Submission:

Greenwood Genetic Center Diagnostic Laboratories, Greenwood Genetic Center
Classification: Uncertain significance. Last evaluated: 2023-06-01. Review status: criteria provided, single submitter. Criteria: ACMG Guidelines, 2015. Collection method: clinical testing. Allele origin: germline. Affected: yes.
Comment: Gene of Uncertain Significance